The following is an entry in ClinVar:

NC_000001.11:g.153799672G>A

Gene: GATAD2B (GATA zinc finger domain containing 2B; minus strand). Cytogenetic location: 1q21.3.
Variant type: single nucleotide variant.
Genome position: GRCh38 VCF-style: chr1-153799672-G-A. GRCh37 (hg19) VCF-style: chr1-153772148-G-A.
Identifiers: ClinVar variation 2639358 (VCV002639358.24), dbSNP rs567570674, ClinGen allele CA30746355.

ClinVar aggregate classification (germline): Likely benign (1 of 4 stars; one submission).

Allele frequency attached by ClinVar (database versions not stated): gnomAD 0.00077; TOPMed 0.00080; 1000 Genomes Project 0.00180; 1000 Genomes Project 30x 0.00219.

Submission:

CeGaT Center for Human Genetics Tuebingen
Classification: Likely benign. Last evaluated: 2023-03-01. Review status: criteria provided, single submitter. Criteria: CeGaT Center For Human Genetics Tuebingen Variant Classification Criteria Version 2. Collection method: clinical testing. Allele origin: germline. Affected: yes. Observed: 1 variant allele.
Comment: GATAD2B: BS1